The following is an entry in ClinVar:

NM_000245.4(MET):c.3339C>G (p.Asn1113Lys)

Gene: MET (MET proto-oncogene, receptor tyrosine kinase; plus strand). Cytogenetic location: 7q31.2.
Variant type: single nucleotide variant.
Coding change: c.3339C>G on transcript NM_000245.4 (MANE Select); coding-DNA position 3339, C replaced by G.
Protein change: p.Asn1113Lys; replaces asparagine 1113 with lysine.
Molecular consequence: missense variant.
Genome position (GRCh38, 1-based): chr7:116,777,468, C>G. VCF-style: chr7-116777468-C-G. GRCh37 (hg19) VCF-style: chr7-116417522-C-G.
Other names: c.3393C>G, p.Asn1131Lys (NM_001127500.3); c.2049C>G, p.Asn683Lys (NM_001324402.2); c.3393C>G (NM_001127500.1); short protein forms N1113K, N1131K, N683K.
Identifiers: ClinVar variation 1061577 (VCV001061577.10), dbSNP rs1214629015, ClinGen allele CA368989894.

ClinVar aggregate classification (germline): Uncertain significance. Review status: criteria provided, multiple submitters, no conflicts (2 of 4 stars). 2 submissions from 2 submitters: Uncertain significance (2). Last evaluated 2025-04-11.

Conditions:
Hereditary cancer-predisposing syndrome. Also called: Neoplastic Syndromes, Hereditary; Hereditary Cancer Syndrome; Hereditary neoplastic syndrome; Tumor predisposition. Identifiers: Orphanet 140162, MedGen C0027672, MeSH D009386, MONDO:0015356.
Renal cell carcinoma. Identifiers: Orphanet 217071, MedGen C0007134, MeSH D002292, MONDO:0005086, HP:0005584.

Submissions (2):

Ambry Genetics
Classification: Uncertain significance for Hereditary cancer-predisposing syndrome. Last evaluated: 2025-04-11. Review status: criteria provided, single submitter. Criteria: Ambry Variant Classification Scheme 2023. Collection method: clinical testing. Allele origin: germline.
Comment: The p.N1131K variant (also known as c.3393C>G), located in coding exon 15 of the MET gene, results from a C to G substitution at nucleotide position 3393. The asparagine at codon 1131 is replaced by lysine, an amino acid with similar properties. This amino acid position is conserved. In addition, this alteration is predicted to be tolerated by in silico analysis. Based on the available evidence, the clinical significance of this variant remains unclear.

Labcorp Genetics (formerly Invitae), Labcorp
Classification: Uncertain significance for Renal cell carcinoma. Last evaluated: 2024-11-22. Review status: criteria provided, single submitter. Criteria: Invitae Variant Classification Sherloc (09022015). Collection method: clinical testing. Allele origin: germline.
Comment: This sequence change replaces asparagine, which is neutral and polar, with lysine, which is basic and polar, at codon 1131 of the MET protein (p.Asn1131Lys). This variant is not present in population databases (gnomAD no frequency). This variant has not been reported in the literature in individuals affected with MET-related conditions. ClinVar contains an entry for this variant (Variation ID: 1061577). An algorithm developed to predict the effect of missense changes on protein structure and function (PolyPhen-2) suggests that this variant is likely to be disruptive. In summary, the available evidence is currently insufficient to determine the role of this variant in disease. Therefore, it has been classified as a Variant of Uncertain Significance.